The following is an entry in ClinVar:

ClinVar aggregate classification (germline): Uncertain significance (1 of 4 stars; one submission).

Conditions:
Cardiomyopathy (CMYO). Also called: Cardiomyopathies. Identifiers: Orphanet 167848, MedGen C0878544, MONDO:0004994, HP:0001638. Inheritance: Various modes of inheritance.

Submission:

Color Diagnostics, LLC DBA Color Health
Classification: Uncertain significance for Cardiomyopathy. Last evaluated: 2025-08-30. Review status: criteria provided, single submitter. Criteria: ACMG Guidelines, 2015. Collection method: clinical testing. Allele origin: germline.
Comment: This missense variant replaces glutamic acid with glycine at codon 843 of the RYR2 protein. Computational prediction suggests that this variant may not impact protein structure and function. To our knowledge, functional studies have not been reported for this variant. This variant has not been reported in individuals affected with RYR2-related disorders in the literature. This variant has not been identified in the general population by the Genome Aggregation Database (gnomAD). The available evidence is insufficient to determine the role of this variant in disease conclusively. Therefore, this variant is classified as a Variant of Uncertain Significance.

NM_001035.3(RYR2):c.2528A>G (p.Glu843Gly)

Gene: RYR2 (ryanodine receptor 2; plus strand). Cytogenetic location: 1q43.
Variant type: single nucleotide variant.
Coding change: c.2528A>G on transcript NM_001035.3 (MANE Select); coding-DNA position 2528, A replaced by G.
Protein change: p.Glu843Gly; replaces glutamic acid 843 with glycine.
Molecular consequence: missense variant.
Genome position (GRCh38, 1-based): chr1:237,503,420, A>G. VCF-style: chr1-237503420-A-G. GRCh37 (hg19) VCF-style: chr1-237666720-A-G.
Other names: short protein forms E843G.
Identifiers: ClinVar variation 4758349 (VCV004758349.1).